The following is an entry in ClinVar:

ClinVar aggregate classification (germline): Pathogenic. Review status: reviewed by expert panel (3 of 4 stars). 4 submissions from 4 submitters: Pathogenic (1). 3 of the submissions do not count toward it. Last evaluated 2016-09-08.

Conditions:
Hereditary breast ovarian cancer syndrome. Also called: Hereditary breast and ovarian cancer syndrome; Hereditary breast and ovarian cancer; Hereditary breast and ovarian cancer syndrome (HBOC); Breast and ovarian cancer; Hereditary breast and/or ovarian cancer syndrome; BRCA1- and BRCA2-Associated Hereditary Breast and Ovarian Cancer. Identifiers: Orphanet 145, MedGen C0677776, MeSH D061325, MONDO:0003582. Disease mechanism: loss of function.
Breast-ovarian cancer, familial, susceptibility to, 2 (BROVCA2). Also called: BRCA2 Hereditary Breast and Ovarian Cancer. Identifiers: Orphanet 145, MedGen C2675520, MONDO:0012933, OMIM 612555. Disease mechanism: loss of function.
Hereditary cancer-predisposing syndrome. Also called: Neoplastic Syndromes, Hereditary; Tumor predisposition; Hereditary Cancer Syndrome; Hereditary neoplastic syndrome. Identifiers: Orphanet 140162, MedGen C0027672, MeSH D009386, MONDO:0015356.

Submissions (4):

Evidence-based Network for the Interpretation of Germline Mutant Alleles (ENIGMA)
Classification: Pathogenic for Breast-ovarian cancer, familial, susceptibility to, 2. Last evaluated: 2016-09-08. Review status: reviewed by expert panel. Criteria: ENIGMA BRCA1/2 Classification Criteria (2015). Collection method: curation. Allele origin: germline.
Comment: Variant allele predicted to encode a truncated non-functional protein.

Ambry Genetics
Classification: Pathogenic for Hereditary cancer-predisposing syndrome. Last evaluated: 2024-08-23. Review status: criteria provided, single submitter. Criteria: Ambry Variant Classification Scheme 2023. Collection method: clinical testing. Allele origin: germline. Not counted in ClinVar's aggregate classification.
Comment: The p.Y688* pathogenic mutation (also known as c.2064T>G), located in coding exon 10 of the BRCA2 gene, results from a T to G substitution at nucleotide position 2064. This changes the amino acid from a tyrosine to a stop codon within coding exon 10. This variant is considered to be rare based on population cohorts in the Genome Aggregation Database (gnomAD). This alteration is expected to result in loss of function by premature protein truncation or nonsense-mediated mRNA decay. As such, this alteration is interpreted as a disease-causing mutation.

Labcorp Genetics (formerly Invitae), Labcorp
Classification: Pathogenic for Hereditary breast ovarian cancer syndrome. Last evaluated: 2019-07-11. Review status: criteria provided, single submitter. Criteria: Invitae Variant Classification Sherloc (09022015). Collection method: clinical testing. Allele origin: germline. Not counted in ClinVar's aggregate classification.
Comment: For these reasons, this variant has been classified as Pathogenic. Loss-of-function variants in BRCA2 are known to be pathogenic (PMID: 20104584). This variant has been reported in individuals in the Leiden Open-source Variation Database (PMID: 21520333). ClinVar contains an entry for this variant (Variation ID: 51240). This variant is not present in population databases (ExAC no frequency). This sequence change creates a premature translational stop signal (p.Tyr688*) in the BRCA2 gene. It is expected to result in an absent or disrupted protein product.

Breast Cancer Information Core (BIC) (BRCA2)
Classification: Pathogenic for Breast-ovarian cancer, familial 2. Review status: no assertion criteria provided. Collection method: clinical testing. Allele origin: germline. Affected: yes. Observed: 1 variant allele. Not counted in ClinVar's aggregate classification.

Literature cited by the submitters: PubMed 20104584 (cited by Labcorp Genetics (formerly Invitae), Labcorp); PubMed 21520333 (cited by Labcorp Genetics (formerly Invitae), Labcorp).

NM_000059.4(BRCA2):c.2064T>G (p.Tyr688Ter)

Gene: BRCA2 (BRCA2 DNA repair associated; plus strand). Cytogenetic location: 13q13.1.
Variant type: single nucleotide variant.
Coding change: c.2064T>G on transcript NM_000059.4 (MANE Select); coding-DNA position 2064, T replaced by G.
Protein change: p.Tyr688Ter; replaces tyrosine 688 with a stop codon.
Molecular consequence: nonsense.
Genome position (GRCh38, 1-based): chr13:32,336,419, T>G. VCF-style: chr13-32336419-T-G. GRCh37 (hg19) VCF-style: chr13-32910556-T-G.
Other names: short protein forms Y688*.
Identifiers: ClinVar variation 51240 (VCV000051240.12), dbSNP rs80358485, ClinGen allele CA014258.